The following is an entry in ClinVar:

ClinVar aggregate classification (germline): Uncertain significance (1 of 4 stars; one submission).

Allele frequency attached by ClinVar (database versions not stated): gnomAD 0.00002; TOPMed 0.00002; ExAC 0.00007.
gnomAD v4.1: 46 of 1,613,118 alleles (0.0029%); highest among the groups gnomAD compares: East Asian, 0.016%; no homozygotes.

Submission:

Labcorp Genetics (formerly Invitae), Labcorp
Classification: Uncertain significance. Last evaluated: 2022-02-04. Review status: criteria provided, single submitter. Criteria: Invitae Variant Classification Sherloc (09022015). Collection method: clinical testing. Allele origin: germline.
Comment: This sequence change replaces proline, which is neutral and non-polar, with leucine, which is neutral and non-polar, at codon 720 of the SLC12A1 protein (p.Pro720Leu). This variant is present in population databases (rs770624046, gnomAD 0.06%). This variant has not been reported in the literature in individuals affected with SLC12A1-related conditions. Algorithms developed to predict the effect of missense changes on protein structure and function are either unavailable or do not agree on the potential impact of this missense change (SIFT: "Deleterious"; PolyPhen-2: "Benign"; Align-GVGD: "Class C0"). In summary, the available evidence is currently insufficient to determine the role of this variant in disease. Therefore, it has been classified as a Variant of Uncertain Significance.

NM_000338.3(SLC12A1):c.2159C>T (p.Pro720Leu)

Gene: SLC12A1 (solute carrier family 12 member 1; plus strand). Cytogenetic location: 15q21.1.
Variant type: single nucleotide variant.
Coding change: c.2159C>T on transcript NM_000338.3 (MANE Select); coding-DNA position 2159, C replaced by T.
Protein change: p.Pro720Leu; replaces proline 720 with leucine.
Molecular consequence: missense variant.
Genome position (GRCh38, 1-based): chr15:48,267,565, C>T. VCF-style: chr15-48267565-C-T. GRCh37 (hg19) VCF-style: chr15-48559762-C-T.
Other names: c.2159C>T, p.Pro720Leu (NM_001184832.2, NM_001384136.1); short protein forms P720L.
Identifiers: ClinVar variation 1975937 (VCV001975937.2), dbSNP rs770624046, ClinGen allele CA7547308.